The following is an entry in ClinVar:

ClinVar aggregate classification (germline): Uncertain significance. Review status: criteria provided, multiple submitters, no conflicts (2 of 4 stars). 2 submissions from 2 submitters: Uncertain significance (2). Last evaluated 2025-10-09.

Conditions:
Hypertrophic cardiomyopathy 14. Identifiers: MedGen C2750467, MONDO:0013197, OMIM 613251.
Cardiovascular phenotype. Identifiers: MedGen CN230736.

Allele frequency attached by ClinVar (database versions not stated): TOPMed below 0.00001; gnomAD 0.00001.

Submissions (2):

Labcorp Genetics (formerly Invitae), Labcorp
Classification: Uncertain significance for Hypertrophic cardiomyopathy 14. Last evaluated: 2025-10-09. Review status: criteria provided, single submitter. Criteria: Invitae Variant Classification Sherloc (09022015). Collection method: clinical testing. Allele origin: germline.
Comment: This sequence change replaces leucine, which is neutral and non-polar, with arginine, which is basic and polar, at codon 1137 of the MYH6 protein (p.Leu1137Arg). This variant is not present in population databases (gnomAD no frequency). This variant has not been reported in the literature in individuals affected with MYH6-related conditions. ClinVar contains an entry for this variant (Variation ID: 1731171). Invitae Evidence Modeling of protein sequence and biophysical properties (such as structural, functional, and spatial information, amino acid conservation, physicochemical variation, residue mobility, and thermodynamic stability) indicates that this missense variant is not expected to disrupt MYH6 protein function with a negative predictive value of 80%. In summary, the available evidence is currently insufficient to determine the role of this variant in disease. Therefore, it has been classified as a Variant of Uncertain Significance.

Ambry Genetics
Classification: Uncertain significance for Cardiovascular phenotype. Last evaluated: 2025-02-12. Review status: criteria provided, single submitter. Criteria: Ambry Variant Classification Scheme 2023. Collection method: clinical testing. Allele origin: germline.
Comment: The p.L1137R variant (also known as c.3410T>G), located in coding exon 24 of the MYH6 gene, results from a T to G substitution at nucleotide position 3410. The leucine at codon 1137 is replaced by arginine, an amino acid with dissimilar properties. This amino acid position is not well conserved in available vertebrate species. In addition, this alteration is predicted to be tolerated by in silico analysis. Since supporting evidence is limited at this time, the clinical significance of this alteration remains unclear.

NM_002471.4(MYH6):c.3410T>G (p.Leu1137Arg)

Gene: MYH6 (myosin heavy chain 6; minus strand). Cytogenetic location: 14q11.2.
Variant type: single nucleotide variant.
Coding change: c.3410T>G on transcript NM_002471.4 (MANE Select); coding-DNA position 3410, T replaced by G.
Protein change: p.Leu1137Arg; replaces leucine 1137 with arginine.
Molecular consequence: missense variant.
Genome position (GRCh38, 1-based): chr14:23,390,379, A>C on the plus strand (T>G on the coding strand, the complement: MYH6 is on the minus strand). VCF-style: chr14-23390379-A-C. GRCh37 (hg19) VCF-style: chr14-23859588-A-C.
Other names: short protein forms L1137R.
Identifiers: ClinVar variation 1731171 (VCV001731171.4), dbSNP rs1891201112, ClinGen allele CA389006502.
Genomic context (GRCh38, chr14:23,390,379, plus strand): 5'-CCGCCGGCCTCTTCCAGCCGCTCGCTGATCTCCTCCAGCTCCCGAGACAGGTCTGAGCGC[A>C]GCTTCTCCACCTTAGCCCTGGCGGTGCGCTCGGCCTCCAGCTCCTCCTCCAGCTCCTCGA-3'
Protein context (NP_002462.2, residues 1127-1147): ERTARAKVEK[Leu1137Arg]RSDLSRELEE